The following is an entry in ClinVar:

ClinVar aggregate classification (germline): Likely pathogenic. Review status: criteria provided, single submitter (1 of 4 stars). 2 submissions from 2 submitters: Likely pathogenic (1). 1 of the submissions does not count toward it. Last evaluated 2025-07-25.

Conditions:
Congenital disorder of deglycosylation (CDDG). Identifiers: MedGen C3808991, MONDO:0031376.

Submissions (2):

GeneDx
Classification: Likely pathogenic. Last evaluated: 2025-07-25. Review status: criteria provided, single submitter. Criteria: GeneDx Variant Classification Process June 2021. Collection method: clinical testing. Allele origin: germline.
Comment: Has been reported in the compound heterozygous state with another NGLY1 variant in a patient with clinical features suggestive of NGLY1-related congenital disorder of deglycosylation (PMID: 27388694); Studies in from tissues derived from pluripotent stem cells from a patient harboring this variant demonstrate a likely protein expression effect in this cell line; however additional studies are needed to validate the functional effect of this variant specifically (PMID: 36875753); Not observed at significant frequency in large population cohorts (gnomAD); In silico analysis supports that this missense variant has a deleterious effect on protein structure/function; This variant is associated with the following publications: (PMID: 25900930, 36589922, 34051448, 35406718, 32071843, 32422350, 33497766, 27388694, 36875753, 38628705)

Medical Biochemical Genetics, National Human Genome institute, NIH, National Institutes of Health
Classification: Pathogenic for NGLY1-CDDG. Last evaluated: 2016-01-07. Review status: no assertion criteria provided. Collection method: clinical testing. Allele origin: inherited. Affected: yes. Observed: 1 variant allele. Not counted in ClinVar's aggregate classification.

Literature cited by the submitters: PubMed 27388694 (cited by Medical Biochemical Genetics, National Human Genome institute, NIH, National Institutes of Health); PubMed 25900930 (cited by Medical Biochemical Genetics, National Human Genome institute, NIH, National Institutes of Health).

NM_018297.4(NGLY1):c.1169G>C (p.Arg390Pro)

Gene: NGLY1 (N-glycanase 1; minus strand). Cytogenetic location: 3p24.2.
Variant type: single nucleotide variant.
Coding change: c.1169G>C on transcript NM_018297.4 (MANE Select); coding-DNA position 1169, G replaced by C.
Protein change: p.Arg390Pro; replaces arginine 390 with proline.
Molecular consequence: missense variant.
Genome position (GRCh38, 1-based): chr3:25,733,963, C>G on the plus strand (G>C on the coding strand, the complement: NGLY1 is on the minus strand). VCF-style: chr3-25733963-C-G. GRCh37 (hg19) VCF-style: chr3-25775454-C-G.
Other names: c.1115G>C, p.Arg372Pro (NM_001145293.2); c.1043G>C, p.Arg348Pro (NM_001145294.2); c.1169G>C, p.Arg390Pro (NM_001145295.2); short protein forms R348P, R390P, R372P.
Identifiers: ClinVar variation 221580 (VCV000221580.4), dbSNP rs1135401728, ClinGen allele CA351900193.